The following is an entry in ClinVar:

NM_024334.3(TMEM43):c.658C>T (p.Arg220Cys)

Gene: TMEM43 (transmembrane protein 43; plus strand). Cytogenetic location: 3p25.1.
Variant type: single nucleotide variant.
Coding change: c.658C>T on transcript NM_024334.3 (MANE Select); coding-DNA position 658, C replaced by T.
Protein change: p.Arg220Cys; replaces arginine 220 with cysteine.
Molecular consequence: missense variant.
Genome position (GRCh38, 1-based): chr3:14,134,844, C>T. VCF-style: chr3-14134844-C-T. GRCh37 (hg19) VCF-style: chr3-14176344-C-T.
Other names: short protein forms R220C.
Identifiers: ClinVar variation 180543 (VCV000180543.18), dbSNP rs562700595, ClinGen allele CA024733.

ClinVar aggregate classification (germline): Conflicting classifications of pathogenicity. Review status: criteria provided, conflicting classifications (1 of 4 stars). 6 submissions from 6 submitters: Uncertain significance (1); Benign (1); Likely benign (2). 2 of the submissions do not count toward it. Last evaluated 2024-10-27.

Conditions:
Cardiovascular phenotype. Identifiers: MedGen CN230736.
Cardiomyopathy (CMYO). Also called: Cardiomyopathies. Identifiers: Orphanet 167848, MedGen C0878544, MONDO:0004994, HP:0001638. Inheritance: Various modes of inheritance.
Arrhythmogenic right ventricular dysplasia 5. Also called: ARRHYTHMOGENIC RIGHT VENTRICULAR DYSPLASIA, FAMILIAL, 5; Arrhythmogenic Right Ventricular Dysplasia/Cardiomyopathy 5. Identifiers: MedGen C1858379, MONDO:0011459, OMIM 604400.

Allele frequency attached by ClinVar (database versions not stated): TOPMed 0.00001; ExAC 0.00003; gnomAD 0.00001 and 0.00003; gnomAD exomes 0.00004.

Submissions (6):

Labcorp Genetics (formerly Invitae), Labcorp
Classification: Uncertain significance for Arrhythmogenic right ventricular dysplasia 5. Last evaluated: 2024-10-27. Review status: criteria provided, single submitter. Criteria: Invitae Variant Classification Sherloc (09022015). Collection method: clinical testing. Allele origin: germline.
Comment: This sequence change replaces arginine, which is basic and polar, with cysteine, which is neutral and slightly polar, at codon 220 of the TMEM43 protein (p.Arg220Cys). This variant is present in population databases (rs562700595, gnomAD 0.04%). This missense change has been observed in individual(s) with dilated cardiomyopathy (PMID: 26214305). ClinVar contains an entry for this variant (Variation ID: 180543). Invitae Evidence Modeling of protein sequence and biophysical properties (such as structural, functional, and spatial information, amino acid conservation, physicochemical variation, residue mobility, and thermodynamic stability) indicates that this missense variant is not expected to disrupt TMEM43 protein function with a negative predictive value of 80%. In summary, the available evidence is currently insufficient to determine the role of this variant in disease. Therefore, it has been classified as a Variant of Uncertain Significance.

All of Us Research Program, National Institutes of Health
Classification: Likely benign for Arrhythmogenic right ventricular dysplasia 5. Last evaluated: 2024-07-29. Review status: criteria provided, single submitter. Criteria: ACMG Guidelines, 2015. Collection method: clinical testing. Allele origin: germline. Inheritance: Autosomal dominant inheritance. Observed: 6 variant alleles, 6 heterozygotes.
Comment: This study involves interpretation of variants in research participants for the purpose of population health screening. Participant phenotype was not available at the time of variant classification. Additional details can be found in publication PMID: 35346344, PMCID: PMC8962531

Color Diagnostics, LLC DBA Color Health
Classification: Likely benign for Cardiomyopathy. Last evaluated: 2024-07-17. Review status: criteria provided, single submitter. Criteria: ACMG Guidelines, 2015. Collection method: clinical testing. Allele origin: germline.

Ambry Genetics
Classification: Benign for Cardiovascular phenotype. Last evaluated: 2022-10-26. Review status: criteria provided, single submitter. Criteria: Ambry Variant Classification Scheme 2023. Collection method: clinical testing. Allele origin: germline.

Genome Diagnostics Laboratory, University Medical Center Utrecht
Classification: Uncertain significance. Review status: no assertion criteria provided. Collection method: clinical testing. Allele origin: germline. Affected: yes. Study: VKGL Data-share Consensus. Not counted in ClinVar's aggregate classification.

Joint Genome Diagnostic Labs from Nijmegen and Maastricht, Radboudumc and MUMC+
Classification: Uncertain significance. Review status: no assertion criteria provided. Collection method: clinical testing. Allele origin: germline. Affected: yes. Study: VKGL Data-share Consensus. Not counted in ClinVar's aggregate classification.

Literature cited by the submitters: PubMed 26214305 (cited by Labcorp Genetics (formerly Invitae), Labcorp and Ambry Genetics); PubMed 33552729 (cited by Ambry Genetics).